The following is an entry in ClinVar:

NM_144573.4(NEXN):c.167GAA[1] (p.Arg57del)

Gene: NEXN (nexilin F-actin binding protein; plus strand). Cytogenetic location: 1p31.1.
Variant type: Microsatellite.
Coding change: c.167GAA[1] on transcript NM_144573.4 (MANE Select); one copy of the 3-base unit GAA starting at c.167; the reference has two copies in a row; one copy, 3 bases deleted.
Protein change: p.Arg57del; deletes arginine 57.
Molecular consequence: inframe deletion. On other transcripts: intron variant (1).
Genome position (GRCh38, 1-based): chr1:77,917,708-77,917,710, GAA deleted; deleting any 3 consecutive bases within chr1:77,917,703-77,917,710 gives the same sequence; the position shown is the placement nearest the transcript's 3' end. VCF-style (leftmost placement, unchanged base first): chr1-77917702-AAAG-A. GRCh37 (hg19) VCF-style: chr1-78383387-AAAG-A.
Other names: c.170_172delGAA (NM_144573.3); c.28-252_28-250del (NM_001172309.2); short protein forms R57del.
Identifiers: ClinVar variation 1014582 (VCV001014582.8), dbSNP rs1435048653, ClinGen allele CA739076541.
Genomic context (GRCh38, chr1:77,917,702, plus strand): 5'-TTGAAGCCATGCAGAGAGCCAGGGAAGAAAGAAATCAAAGGAGATCTAGAGACGAAAAAC[AAAG>A]AAGAAAAGAACAATATATTAGAGAGAGAGAATGGAACAGGAGAAAGCAGGAGGTTATTTT-3'

ClinVar aggregate classification (germline): Uncertain significance. Review status: criteria provided, multiple submitters, no conflicts (2 of 4 stars). 2 submissions from 2 submitters: Uncertain significance (2). Last evaluated 2022-11-17.

Conditions:
Cardiovascular phenotype. Identifiers: MedGen CN230736.
Dilated cardiomyopathy 1CC (CMD1CC). Identifiers: Orphanet 154, MedGen C2751084, MONDO:0013147, OMIM 613122.
Hypertrophic cardiomyopathy 20. Identifiers: MedGen C3151267, MONDO:0013477, OMIM 613876.

Submissions (2):

Ambry Genetics
Classification: Uncertain significance for Cardiovascular phenotype. Last evaluated: 2022-11-17. Review status: criteria provided, single submitter. Criteria: Ambry Variant Classification Scheme 2023. Collection method: clinical testing. Allele origin: germline.
Comment: The c.170_172delGAA variant (also known as p.R57del) is located in coding exon 2 of the NEXN gene. This variant results from an in-frame GAA deletion at nucleotide positions 170 to 172. This results in the in-frame deletion of an arginine at codon 57. This variant has been detected in a dilated cardiomyopathy cohort (Mazzarotto F et al. Circulation, 2020 02;141:387-398). This amino acid position is highly conserved in available vertebrate species. In addition, the in silico prediction for this alteration is inconclusive (Choi Y et al. PLoS ONE. 2012; 7(10):e46688). Since supporting evidence is limited at this time, the clinical significance of this alteration remains unclear.

Labcorp Genetics (formerly Invitae), Labcorp
Classification: Uncertain significance for Dilated cardiomyopathy 1CC; Hypertrophic cardiomyopathy 20. Last evaluated: 2021-09-01. Review status: criteria provided, single submitter. Criteria: Invitae Variant Classification Sherloc (09022015). Collection method: clinical testing. Allele origin: germline.
Comment: This variant, c.170_172del, results in the deletion of 1 amino acid(s) of the NEXN protein (p.Arg57del), but otherwise preserves the integrity of the reading frame. This variant is not present in population databases (ExAC no frequency). This variant has not been reported in the literature in individuals affected with NEXN-related conditions. Experimental studies and prediction algorithms are not available or were not evaluated, and the functional significance of this variant is currently unknown. In summary, the available evidence is currently insufficient to determine the role of this variant in disease. Therefore, it has been classified as a Variant of Uncertain Significance.

Literature cited by the submitters: PubMed 31983221 (cited by Ambry Genetics).